The following is an entry in ClinVar:

ClinVar aggregate classification (germline): Uncertain significance (1 of 4 stars; one submission).

Allele frequency attached by ClinVar (database versions not stated): gnomAD exomes below 0.00001; ExAC 0.00001.
gnomAD v4.1: 2 of 1,614,104 alleles (0.00012%); highest among the groups gnomAD compares: East Asian, 0.0022%; no homozygotes.

Submission:

Labcorp Genetics (formerly Invitae), Labcorp
Classification: Uncertain significance. Last evaluated: 2022-08-10. Review status: criteria provided, single submitter. Criteria: Invitae Variant Classification Sherloc (09022015). Collection method: clinical testing. Allele origin: germline.
Comment: This sequence change replaces arginine, which is basic and polar, with glutamine, which is neutral and polar, at codon 507 of the COL9A1 protein (p.Arg507Gln). This variant is present in population databases (rs777963373, gnomAD 0.0009%). This variant has not been reported in the literature in individuals affected with COL9A1-related conditions. ClinVar contains an entry for this variant (Variation ID: 1486093). Advanced modeling of protein sequence and biophysical properties (such as structural, functional, and spatial information, amino acid conservation, physicochemical variation, residue mobility, and thermodynamic stability) performed at Invitae indicates that this missense variant is not expected to disrupt COL9A1 protein function. In summary, the available evidence is currently insufficient to determine the role of this variant in disease. Therefore, it has been classified as a Variant of Uncertain Significance.

NM_001851.6(COL9A1):c.1520G>A (p.Arg507Gln)

Gene: COL9A1 (collagen type IX alpha 1 chain; minus strand). Cytogenetic location: 6q13.
Variant type: single nucleotide variant.
Coding change: c.1520G>A on transcript NM_001851.6 (MANE Select); coding-DNA position 1520, G replaced by A.
Protein change: p.Arg507Gln; replaces arginine 507 with glutamine.
Molecular consequence: missense variant. On other transcripts: non-coding transcript variant (1).
Genome position (GRCh38, 1-based): chr6:70,255,374, C>T on the plus strand (G>A on the coding strand, the complement: COL9A1 is on the minus strand). VCF-style: chr6-70255374-C-T. GRCh37 (hg19) VCF-style: chr6-70965077-C-T.
Other names: c.791G>A, p.Arg264Gln (NM_001377289.1, NM_001377290.1, NM_078485.4); short protein forms R507Q, R264Q.
Identifiers: ClinVar variation 1486093 (VCV001486093.5), dbSNP rs777963373, ClinGen allele CA3882151.